The following is an entry in ClinVar:

NM_014956.5(CEP164):c.1271T>C (p.Leu424Pro)

Gene: CEP164 (centrosomal protein 164; plus strand). Cytogenetic location: 11q23.3.
Variant type: single nucleotide variant.
Coding change: c.1271T>C on transcript NM_014956.5 (MANE Select); coding-DNA position 1271, T replaced by C.
Protein change: p.Leu424Pro; replaces leucine 424 with proline.
Molecular consequence: missense variant.
Genome position (GRCh38, 1-based): chr11:117,375,745, T>C. VCF-style: chr11-117375745-T-C. GRCh37 (hg19) VCF-style: chr11-117246461-T-C.
Other names: c.1271T>C, p.Leu424Pro (NM_001271933.2, NM_001440949.1, NM_001440950.1 and 16 more transcripts); c.1193T>C, p.Leu398Pro (NM_001440952.1, NM_001440954.1, NM_001440955.1 and 16 more transcripts); c.1133T>C, p.Leu378Pro (NM_001440960.1); c.1112T>C, p.Leu371Pro (NM_001440972.1); short protein forms L371P, L378P, L424P, L398P.
Identifiers: ClinVar variation 4719532 (VCV004719532.1).

ClinVar aggregate classification (germline): Uncertain significance (1 of 4 stars; one submission).

Conditions:
Nephronophthisis 15 (NPHP15). Identifiers: Orphanet 3156, MedGen C3541853, MONDO:0013917, OMIM 614845.

gnomAD v4.1: 2 of 1,614,172 alleles (0.00012%); highest among the groups gnomAD compares: East Asian, 0.0045%; no homozygotes.

Submission:

Labcorp Genetics (formerly Invitae), Labcorp
Classification: Uncertain significance for Nephronophthisis 15. Last evaluated: 2025-07-03. Review status: criteria provided, single submitter. Criteria: Invitae Variant Classification Sherloc (09022015). Collection method: clinical testing. Allele origin: germline.
Comment: This sequence change replaces leucine, which is neutral and non-polar, with proline, which is neutral and non-polar, at codon 424 of the CEP164 protein (p.Leu424Pro). This variant is present in population databases (no rsID available, gnomAD 0.01%). This variant has not been reported in the literature in individuals affected with CEP164-related conditions. An algorithm developed to predict the effect of missense changes on protein structure and function (PolyPhen-2) suggests that this variant is likely to be disruptive. In summary, the available evidence is currently insufficient to determine the role of this variant in disease. Therefore, it has been classified as a Variant of Uncertain Significance.